The following is an entry in ClinVar:

ClinVar aggregate classification (germline): Benign/Likely benign. Review status: criteria provided, multiple submitters, no conflicts (2 of 4 stars). 2 submissions from 2 submitters: Benign (1); Likely benign (1). Last evaluated 2021-02-18.

Allele frequency attached by ClinVar (database versions not stated): gnomAD exomes 0.00097 and 0.00249; ExAC 0.00281; 1000 Genomes Project 0.00839; 1000 Genomes Project 30x 0.00843; gnomAD 0.00917 and 0.00988; TOPMed 0.01017; ESP Exome Variant Server 0.01115.
gnomAD v4.1: 2,871 of 1,614,152 alleles (0.18%); highest among the groups gnomAD compares: African/African-American, 3.2%; 37 homozygotes.

Submissions (2):

GeneDx
Classification: Likely benign. Last evaluated: 2021-02-18. Review status: criteria provided, single submitter. Criteria: GeneDx Variant Classification Process June 2021. Collection method: clinical testing. Allele origin: germline. Affected: yes.
Comment: See Variant Classification Assertion Criteria.

Labcorp Genetics (formerly Invitae), Labcorp
Classification: Benign. Last evaluated: 2018-07-10. Review status: criteria provided, single submitter. Criteria: Invitae Variant Classification Sherloc (09022015). Collection method: clinical testing. Allele origin: germline.

NM_004343.4(CALR):c.817-9C>T

Genes: CALR (calreticulin; plus strand), LOC126862861 (MED14-independent group 3 enhancer GRCh37_chr19:13050707-13051906; plus strand). Cytogenetic location: 19p13.13.
Variant type: single nucleotide variant.
Coding change: c.817-9C>T on transcript NM_004343.4 (MANE Select); 9 bases into the intron before coding-DNA position 817, C replaced by T.
Molecular consequence: intron variant.
Genome position (GRCh38, 1-based): chr19:12,940,735, C>T. VCF-style: chr19-12940735-C-T. GRCh37 (hg19) VCF-style: chr19-13051549-C-T.
Identifiers: ClinVar variation 784388 (VCV000784388.5), dbSNP rs74815302, ClinGen allele CA9235909.